The following is an entry in ClinVar:

ClinVar aggregate classification (germline): Likely benign (1 of 4 stars; one submission).

Conditions:
Rhabdoid tumor predisposition syndrome 2 (RTPS2). Identifiers: Orphanet 231108, Orphanet 69077, MedGen C2750074, MONDO:0013224, OMIM 613325.

Submission:

Myriad Genetics, Inc.
Classification: Likely benign for Rhabdoid tumor predisposition syndrome 2. Last evaluated: 2026-07-06. Review status: criteria provided, single submitter. Criteria: Myriad Autosomal Dominant, Autosomal Recessive and X-Linked Classification Criteria (2023). Collection method: clinical testing. Allele origin: unknown.
Comment: This variant is considered likely benign. This variant is intronic and is not expected to impact mRNA splicing.

NM_003072.5(SMARCA4):c.223-16del

Gene: SMARCA4 (SWI/SNF related BAF chromatin remodeling complex subunit ATPase 4; plus strand). Cytogenetic location: 19p13.2.
Variant type: Deletion.
Coding change: c.223-16del on transcript NM_003072.5 (MANE Select); 16 bases into the intron before coding-DNA position 223, one base deleted (A; older notation c.223-16delA).
Molecular consequence: intron variant.
Genome position (GRCh38, 1-based): chr19:10,985,257, A deleted. VCF-style (leftmost placement, unchanged base first): chr19-10985256-CA-C. GRCh37 (hg19) VCF-style: chr19-11095932-CA-C.
Other names: c.223-16del (NM_001128844.3, NM_001128849.3, NM_001128847.4 and 6 more transcripts).
Identifiers: ClinVar variation 5042102 (VCV005042102.1).